The following is an entry in ClinVar:

ClinVar aggregate classification (germline): Uncertain significance (1 of 4 stars; one submission).

Conditions:
Spastic paraplegia. Identifiers: MedGen C0037772, HP:0001258.

Allele frequency attached by ClinVar (database versions not stated): gnomAD exomes below 0.00001.

Submission:

Labcorp Genetics (formerly Invitae), Labcorp
Classification: Uncertain significance for Spastic paraplegia. Last evaluated: 2021-06-17. Review status: criteria provided, single submitter. Criteria: Invitae Variant Classification Sherloc (09022015). Collection method: clinical testing. Allele origin: germline.
Comment: This variant has not been reported in the literature in individuals with KIF5A-related conditions. Advanced modeling of protein sequence and biophysical properties (such as structural, functional, and spatial information, amino acid conservation, physicochemical variation, residue mobility, and thermodynamic stability) performed at Invitae indicates that this missense variant is not expected to disrupt KIF5A protein function. In summary, the available evidence is currently insufficient to determine the role of this variant in disease. Therefore, it has been classified as a Variant of Uncertain Significance. This variant is not present in population databases (ExAC no frequency). This sequence change replaces threonine with isoleucine at codon 1001 of the KIF5A protein (p.Thr1001Ile). The threonine residue is moderately conserved and there is a moderate physicochemical difference between threonine and isoleucine.

NM_004984.4(KIF5A):c.3002C>T (p.Thr1001Ile)

Gene: KIF5A (kinesin family member 5A; plus strand). Cytogenetic location: 12q13.3.
Variant type: single nucleotide variant.
Coding change: c.3002C>T on transcript NM_004984.4 (MANE Select); coding-DNA position 3002, C replaced by T.
Protein change: p.Thr1001Ile; replaces threonine 1001 with isoleucine.
Molecular consequence: missense variant.
Genome position (GRCh38, 1-based): chr12:57,582,611, C>T. VCF-style: chr12-57582611-C-T. GRCh37 (hg19) VCF-style: chr12-57976394-C-T.
Other names: c.2735C>T, p.Thr912Ile (NM_001354705.2); short protein forms T1001I, T912I.
Identifiers: ClinVar variation 1482295 (VCV001482295.8), dbSNP rs2140172682, ClinGen allele CA385516987.